The following is an entry in ClinVar:

NM_020764.4(CASKIN1):c.2344A>G (p.Lys782Glu)

Gene: CASKIN1 (CASK interacting protein 1; minus strand). Cytogenetic location: 16p13.3.
Variant type: single nucleotide variant.
Coding change: c.2344A>G on transcript NM_020764.4 (MANE Select); coding-DNA position 2344, A replaced by G.
Protein change: p.Lys782Glu; replaces lysine 782 with glutamic acid.
Molecular consequence: missense variant.
Genome position (GRCh38, 1-based): chr16:2,181,024, T>C on the plus strand (A>G on the coding strand, the complement: CASKIN1 is on the minus strand). VCF-style: chr16-2181024-T-C. GRCh37 (hg19) VCF-style: chr16-2231025-T-C.
Other names: short protein forms K782E.
Identifiers: ClinVar variation 5038535 (VCV005038535.1).

ClinVar aggregate classification (germline): Likely benign (1 of 4 stars; one submission).

gnomAD v4.1: 7,401 of 1,485,768 alleles (0.5%); highest among the groups gnomAD compares: South Asian, 0.98%; 30 homozygotes.

Submission:

CeGaT Center for Human Genetics Tuebingen
Classification: Likely benign. Last evaluated: 2026-07-01. Review status: criteria provided, single submitter. Criteria: CeGaT Center For Human Genetics Tuebingen Variant Classification Criteria Version 2. Collection method: clinical testing. Allele origin: germline. Affected: yes. Observed: 1 variant allele.
Comment: CASKIN1: BS2